The following is an entry in ClinVar:

ClinVar aggregate classification (germline): Conflicting classifications of pathogenicity. Review status: criteria provided, conflicting classifications (1 of 4 stars). 3 submissions from 3 submitters: Uncertain significance (1); Benign (1); Likely benign (1). Last evaluated 2024-07-22.

Allele frequency attached by ClinVar (database versions not stated): gnomAD 0.00003 and 0.00004; TOPMed 0.00004; gnomAD exomes 0.00005.
gnomAD v4.1: 64 of 1,391,748 alleles (0.0046%); highest among the groups gnomAD compares: Non-Finnish European, 0.0057%; no homozygotes.

Submissions (3):

Labcorp Genetics (formerly Invitae), Labcorp
Classification: Benign. Last evaluated: 2024-07-22. Review status: criteria provided, single submitter. Criteria: Invitae Variant Classification Sherloc (09022015). Collection method: clinical testing. Allele origin: germline.

Blueprint Genetics
Classification: Likely benign. Last evaluated: 2023-11-07. Review status: criteria provided, single submitter. Criteria: ACMG Guidelines, 2015. Collection method: clinical testing. Allele origin: germline.

CeGaT Center for Human Genetics Tuebingen
Classification: Uncertain significance. Last evaluated: 2022-11-01. Review status: criteria provided, single submitter. Criteria: CeGaT Center For Human Genetics Tuebingen Variant Classification Criteria Version 2. Collection method: clinical testing. Allele origin: germline. Affected: yes. Observed: 3 variant alleles.
Comment: FBXO11: PP2

NM_001190274.2(FBXO11):c.94C>G (p.Pro32Ala)

Genes: FBXO11 (F-box protein 11; minus strand), LOC100506235 (uncharacterized LOC100506235; plus strand). Cytogenetic location: 2p16.3.
Variant type: single nucleotide variant.
Coding change: c.94C>G on transcript NM_001190274.2 (MANE Select); coding-DNA position 94, C replaced by G.
Protein change: p.Pro32Ala; replaces proline 32 with alanine.
Molecular consequence: missense variant.
Genome position (GRCh38, 1-based): chr2:47,905,627, G>C on the plus strand (C>G on the coding strand, the complement: FBXO11 is on the minus strand). VCF-style: chr2-47905627-G-C. GRCh37 (hg19) VCF-style: chr2-48132766-G-C.
Other names: short protein forms P32A.
Identifiers: ClinVar variation 1654110 (VCV001654110.33), dbSNP rs915976035, ClinGen allele CA47236598.